The following is an entry in ClinVar:

NM_030958.3(SLCO5A1):c.853G>A (p.Gly285Arg)

Gene: SLCO5A1 (solute carrier organic anion transporter family member 5A1; minus strand). Cytogenetic location: 8q13.3.
Variant type: single nucleotide variant.
Coding change: c.853G>A on transcript NM_030958.3 (MANE Select); coding-DNA position 853, G replaced by A.
Protein change: p.Gly285Arg; replaces glycine 285 with arginine.
Molecular consequence: missense variant.
Genome position (GRCh38, 1-based): chr8:69,831,821, C>T on the plus strand (G>A on the coding strand, the complement: SLCO5A1 is on the minus strand). VCF-style: chr8-69831821-C-T. GRCh37 (hg19) VCF-style: chr8-70744056-C-T.
Other names: c.853G>A, p.Gly285Arg (NM_001146008.2, NM_001146009.1); short protein forms G285R.
Identifiers: ClinVar variation 4709355 (VCV004709355.1).

ClinVar aggregate classification (germline): Uncertain significance (1 of 4 stars; one submission).

Submission:

Labcorp Genetics (formerly Invitae), Labcorp
Classification: Uncertain significance. Last evaluated: 2026-01-21. Review status: criteria provided, single submitter. Criteria: Invitae Variant Classification Sherloc (09022015). Collection method: clinical testing. Allele origin: germline.
Comment: This sequence change replaces glycine, which is neutral and non-polar, with arginine, which is basic and polar, at codon 285 of the SLCO5A1 protein (p.Gly285Arg). This variant is present in population databases (rs144812512, gnomAD 0.0009%). This variant has not been reported in the literature in individuals affected with SLCO5A1-related conditions. An algorithm developed to predict the effect of missense changes on protein structure and function (PolyPhen-2) suggests that this variant is likely to be disruptive. In summary, the available evidence is currently insufficient to determine the role of this variant in disease. Therefore, it has been classified as a Variant of Uncertain Significance.